The following is an entry in ClinVar:

NM_133433.4(NIPBL):c.2078C>G (p.Ser693Ter)

Gene: NIPBL (NIPBL cohesin loading factor; plus strand). Cytogenetic location: 5p13.2.
Variant type: single nucleotide variant.
Coding change: c.2078C>G on transcript NM_133433.4 (MANE Select); coding-DNA position 2078, C replaced by G.
Protein change: p.Ser693Ter; replaces serine 693 with a stop codon.
Molecular consequence: nonsense.
Genome position (GRCh38, 1-based): chr5:36,985,258, C>G. VCF-style: chr5-36985258-C-G. GRCh37 (hg19) VCF-style: chr5-36985360-C-G.
Other names: c.2078C>G, p.Ser693Ter (NM_015384.5); short protein forms S693*.
Identifiers: ClinVar variation 2444254 (VCV002444254.1), dbSNP rs1411864734, ClinGen allele CA359497939.
Genomic context (GRCh38, chr5:36,985,258, plus strand): 5'-AAAATGAAAATAGACTGTCTGACACAAAACCAAATGACAACAAACAAAATAATGGCAGAT[C>G]AGAAACAACAAAATCAAGGCCTGAAACCCCAAAGCAAAAGGGTGAAAGCCGGCCTGAGAC-3'

ClinVar aggregate classification (germline): Likely pathogenic (1 of 4 stars; one submission).

Conditions:
Cornelia de Lange syndrome 1 (CDLS1). Also called: Brachmann de Lange syndrome; TYPUS DEGENERATIVUS AMSTELODAMENSIS; NIPBL-Related Cornelia de Lange Syndrome. Identifiers: Orphanet 199, MedGen C4551851, MONDO:0007387, OMIM 122470.

Submission:

3billion
Classification: Likely pathogenic for Cornelia de Lange syndrome 1. Last evaluated: 2023-02-23. Review status: criteria provided, single submitter. Criteria: ACMG Guidelines, 2015. Collection method: clinical testing. Allele origin: unknown. Affected: yes.
Comment: The variant is not observed in the gnomAD v2.1.1 dataset. This variant was predicted to result in a loss or disruption of normal protein function through nonsense-mediated decay (NMD) or protein truncation. Multiple pathogenic variants are reported downstream of the variant. Therefore, this variant is classified as Likely pathogenic according to the recommendation of ACMG/AMP guideline.